The following is an entry in ClinVar:

ClinVar aggregate classification (germline): Conflicting classifications of pathogenicity. Review status: criteria provided, conflicting classifications (1 of 4 stars). 6 submissions from 6 submitters: Uncertain significance (3); Likely benign (1). 2 of the submissions do not count toward it. Last evaluated 2026-01-26.

Conditions:
BLM-related disorder. Also called: BLM-related condition.
Bloom syndrome (BLM). Also called: Bloom-Torre-Machacek syndrome. Identifiers: Orphanet 125, MedGen C0005859, MONDO:0008876, OMIM 210900.
Hereditary cancer-predisposing syndrome. Also called: Neoplastic Syndromes, Hereditary; Hereditary neoplastic syndrome; Tumor predisposition; Hereditary Cancer Syndrome. Identifiers: Orphanet 140162, MedGen C0027672, MeSH D009386, MONDO:0015356.

Allele frequency attached by ClinVar (database versions not stated): TOPMed 0.00001; ExAC 0.00002; gnomAD 0.00003.
gnomAD v4.1: 26 of 1,613,926 alleles (0.0016%); highest among the groups gnomAD compares: Admixed American, 0.005%; no homozygotes.

Submissions (6):

Labcorp Genetics (formerly Invitae), Labcorp
Classification: Uncertain significance for Bloom syndrome. Last evaluated: 2026-01-26. Review status: criteria provided, single submitter. Criteria: Invitae Variant Classification Sherloc (09022015). Collection method: clinical testing. Allele origin: germline.
Comment: This sequence change replaces glycine, which is neutral and non-polar, with arginine, which is basic and polar, at codon 1308 of the BLM protein (p.Gly1308Arg). This variant is present in population databases (rs768010078, gnomAD 0.006%). This variant has not been reported in the literature in individuals affected with BLM-related conditions. ClinVar contains an entry for this variant (Variation ID: 524764). Invitae Evidence Modeling of protein sequence and biophysical properties (such as structural, functional, and spatial information, amino acid conservation, physicochemical variation, residue mobility, and thermodynamic stability) indicates that this missense variant is not expected to disrupt BLM protein function with a negative predictive value of 80%. In summary, the available evidence is currently insufficient to determine the role of this variant in disease. Therefore, it has been classified as a Variant of Uncertain Significance.

GeneDx
Classification: Uncertain significance. Last evaluated: 2024-08-08. Review status: criteria provided, single submitter. Criteria: GeneDx Variant Classification Process June 2021. Collection method: clinical testing. Allele origin: germline. Affected: yes.
Comment: Not observed at significant frequency in large population cohorts (gnomAD); In silico analysis indicates that this missense variant does not alter protein structure/function; Has not been previously published as pathogenic or benign to our knowledge

Ambry Genetics
Classification: Likely benign for Hereditary cancer-predisposing syndrome. Last evaluated: 2024-06-11. Review status: criteria provided, single submitter. Criteria: Ambry Variant Classification Scheme 2023. Collection method: clinical testing. Allele origin: germline.

Institute for Clinical Genetics, University Hospital TU Dresden, University Hospital TU Dresden
Classification: Uncertain significance. Last evaluated: 2021-11-03. Review status: criteria provided, single submitter. Criteria: ACMG Guidelines, 2015. Collection method: clinical testing. Allele origin: germline.

PreventionGenetics, part of Exact Sciences
Classification: Uncertain significance for BLM-related condition. Last evaluated: 2024-03-27. Review status: no assertion criteria provided. Collection method: clinical testing. Allele origin: germline. Not counted in ClinVar's aggregate classification.
Comment: The BLM c.3922G>A variant is predicted to result in the amino acid substitution p.Gly1308Arg. To our knowledge, this variant has not been reported in the literature. This variant is reported in 0.0056% of alleles in individuals of Latino descent in gnomAD and is classified as variant of uncertain significance in ClinVar. At this time, the clinical significance of this variant is uncertain due to the absence of conclusive functional and genetic evidence.

Natera, Inc.
Classification: Uncertain significance for Bloom syndrome. Last evaluated: 2020-07-16. Review status: no assertion criteria provided. Collection method: clinical testing. Allele origin: germline. Not counted in ClinVar's aggregate classification.

NM_000057.4(BLM):c.3922G>A (p.Gly1308Arg)

Gene: BLM (BLM RecQ like helicase; plus strand). Cytogenetic location: 15q26.1.
Variant type: single nucleotide variant.
Coding change: c.3922G>A on transcript NM_000057.4 (MANE Select); coding-DNA position 3922, G replaced by A.
Protein change: p.Gly1308Arg; replaces glycine 1308 with arginine.
Molecular consequence: missense variant.
Genome position (GRCh38, 1-based): chr15:90,811,252, G>A. VCF-style: chr15-90811252-G-A. GRCh37 (hg19) VCF-style: chr15-91354482-G-A.
Other names: c.3922G>A, p.Gly1308Arg (NM_001287246.2); c.3529G>A, p.Gly1177Arg (NM_001287247.2); c.2797G>A, p.Gly933Arg (NM_001287248.2); short protein forms G1308R, G1177R, G933R.
Identifiers: ClinVar variation 524764 (VCV000524764.20), dbSNP rs768010078, ClinGen allele CA7739162.